The following is an entry in ClinVar:

ClinVar aggregate classification (germline): Likely pathogenic (1 of 4 stars; one submission).

Conditions:
Bethlem myopathy 1A. Also called: Bethlem Muscular Dystrophy; MYOPATHY, BENIGN CONGENITAL, WITH CONTRACTURES; Bethlem myopathy 1. Identifiers: Orphanet 610, MedGen CN029274, MONDO:0024530, OMIM 158810.

Submission:

Labcorp Genetics (formerly Invitae), Labcorp
Classification: Likely pathogenic for Bethlem myopathy 1A. Last evaluated: 2020-03-05. Review status: criteria provided, single submitter. Criteria: Invitae Variant Classification Sherloc (09022015). Collection method: clinical testing. Allele origin: germline.
Comment: Algorithms developed to predict the effect of sequence changes on RNA splicing suggest that this variant may create or strengthen a splice site, but this prediction has not been confirmed by published transcriptional studies. Algorithms developed to predict the effect of missense changes on protein structure and function are either unavailable or do not agree on the potential impact of this missense change (SIFT: "Deleterious"; PolyPhen-2: "Possibly Damaging"; Align-GVGD: "Class C0"). This variant has not been reported in the literature in individuals with COL6A2-related conditions. This variant is not present in population databases (ExAC no frequency). This sequence change replaces glycine with valine at codon 262 of the COL6A2 protein (p.Gly262Val). The glycine residue is highly conserved and there is a moderate physicochemical difference between glycine and valine. In summary, the currently available evidence indicates that the variant is pathogenic, but additional data are needed to prove that conclusively. Therefore, this variant has been classified as Likely Pathogenic. Glycine residues within the Gly-Xaa-Yaa repeats of the triple helix domain are required for the structure and stability of fibrillar collagens (PMID: 7695699, 8218237, 19344236). In COL6A2, missense variants at these glycine residues are significantly enriched in individuals with disease (PMID: 15689448, 24038877) compared to the general population (ExAC).

Literature cited by the submitters: PubMed 7695699; PubMed 8218237; PubMed 19344236; PubMed 15689448; PubMed 24038877.

NM_001849.4(COL6A2):c.785G>T (p.Gly262Val)

Gene: COL6A2 (collagen type VI alpha 2 chain; plus strand). Cytogenetic location: 21q22.3.
Variant type: single nucleotide variant.
Coding change: c.785G>T on transcript NM_001849.4 (MANE Select); coding-DNA position 785, G replaced by T.
Protein change: p.Gly262Val; replaces glycine 262 with valine.
Molecular consequence: missense variant.
Genome position (GRCh38, 1-based): chr21:46,114,057, G>T. VCF-style: chr21-46114057-G-T. GRCh37 (hg19) VCF-style: chr21-47533971-G-T.
Other names: c.785G>T, p.Gly262Val (NM_058174.3, NM_058175.3); short protein forms G262V.
Identifiers: ClinVar variation 1067587 (VCV001067587.9), dbSNP rs886042943, ClinGen allele CA410523541.
Genomic context (GRCh38, chr21:46,114,057, plus strand): 5'-CCTCGTTTCAGTGCTACAAGGTGAGCTGCCTGGAAATCCCTGGGCCCTCTGGCCCCAAGG[G>T]CTACCGTGGACAGAAGGTAAGATGCCCAGATTACCTGCAGGGTCTGCGCTACCAGGAAGC-3'
Protein context (NP_001840.3, residues 252-272): LEIPGPSGPK[Gly262Val]YRGQKGAKGN